The following is an entry in ClinVar:

ClinVar aggregate classification (germline): Uncertain significance. Review status: criteria provided, multiple submitters, no conflicts (2 of 4 stars). 2 submissions from 2 submitters: Uncertain significance (2). Last evaluated 2026-01-12.

Conditions:
Norman-Roberts syndrome (LIS2). Also called: Lissencephaly 2 (Norman-Roberts type). Identifiers: Orphanet 89844, MedGen C0796089, MONDO:0009760, OMIM 257320.
Familial temporal lobe epilepsy 7. Identifiers: Orphanet 101046, MedGen C4225327, MONDO:0014639, OMIM 616436.
Inborn genetic diseases. Identifiers: MedGen C0950123, MeSH D030342.

Allele frequency attached by ClinVar (database versions not stated): ExAC 0.00001; TOPMed 0.00001; gnomAD 0.00003; gnomAD exomes 0.00003.
gnomAD v4.1: 48 of 1,614,026 alleles (0.003%); highest among the groups gnomAD compares: Non-Finnish European, 0.0038%; no homozygotes.

Submissions (2):

Labcorp Genetics (formerly Invitae), Labcorp
Classification: Uncertain significance for Familial temporal lobe epilepsy 7; Norman-Roberts syndrome. Last evaluated: 2026-01-12. Review status: criteria provided, single submitter. Criteria: Invitae Variant Classification Sherloc (09022015). Collection method: clinical testing. Allele origin: germline.
Comment: This sequence change replaces threonine, which is neutral and polar, with isoleucine, which is neutral and non-polar, at codon 1736 of the RELN protein (p.Thr1736Ile). This variant is present in population databases (rs764945188, gnomAD 0.002%). This variant has not been reported in the literature in individuals affected with RELN-related conditions. ClinVar contains an entry for this variant (Variation ID: 2080054). Invitae Evidence Modeling of protein sequence and biophysical properties (such as structural, functional, and spatial information, amino acid conservation, physicochemical variation, residue mobility, and thermodynamic stability) indicates that this missense variant is not expected to disrupt RELN protein function with a negative predictive value of 80%. In summary, the available evidence is currently insufficient to determine the role of this variant in disease. Therefore, it has been classified as a Variant of Uncertain Significance.

Ambry Genetics
Classification: Uncertain significance for Inborn genetic diseases. Last evaluated: 2024-05-23. Review status: criteria provided, single submitter. Criteria: Ambry Variant Classification Scheme 2023. Collection method: clinical testing. Allele origin: germline.

NM_005045.4(RELN):c.5207C>T (p.Thr1736Ile)

Gene: RELN (reelin; minus strand). Cytogenetic location: 7q22.1.
Variant type: single nucleotide variant.
Coding change: c.5207C>T on transcript NM_005045.4 (MANE Select); coding-DNA position 5207, C replaced by T.
Protein change: p.Thr1736Ile; replaces threonine 1736 with isoleucine.
Molecular consequence: missense variant.
Genome position (GRCh38, 1-based): chr7:103,565,281, G>A on the plus strand (C>T on the coding strand, the complement: RELN is on the minus strand). VCF-style: chr7-103565281-G-A. GRCh37 (hg19) VCF-style: chr7-103205728-G-A.
Other names: c.5207C>T (NM_005045.3); c.5207C>T, p.Thr1736Ile (NM_173054.3); short protein forms T1736I.
Identifiers: ClinVar variation 2080054 (VCV002080054.5), dbSNP rs764945188, ClinGen allele CA4421307.